The following is an entry in ClinVar:

NM_001942.4(DSG1):c.2133_2134delinsTT (p.Arg712Cys)

Genes: DSG1-AS1 (DSG1 antisense RNA 1; minus strand), DSG1 (desmoglein 1; plus strand), LOC126862720 (MED14-independent group 3 enhancer GRCh37_chr18:28933613-28934812; plus strand). Cytogenetic location: 18q12.1.
Variant type: Indel.
Coding change: c.2133_2134delinsTT on transcript NM_001942.4 (MANE Select); coding-DNA positions 2133 to 2134, AC replaced by TT.
Protein change: p.Arg712Cys; replaces arginine 712 with cysteine.
Molecular consequence: missense variant. On other transcripts: non-coding transcript variant (1).
Genome position (GRCh38, 1-based): chr18:31,354,329-31,354,330, AC replaced by TT. VCF-style: chr18-31354329-AC-TT. GRCh37 (hg19) VCF-style: chr18-28934292-AC-TT.
Other names: short protein forms R712C.
Identifiers: ClinVar variation 2191606 (VCV002191606.4), dbSNP rs2510845327, ClinGen allele CA2580095579.

ClinVar aggregate classification (germline): Uncertain significance (1 of 4 stars; one submission).

Submission:

Labcorp Genetics (formerly Invitae), Labcorp
Classification: Uncertain significance. Last evaluated: 2025-11-27. Review status: criteria provided, single submitter. Criteria: Invitae Variant Classification Sherloc (09022015). Collection method: clinical testing. Allele origin: germline.
Comment: This sequence change replaces arginine, which is basic and polar, with cysteine, which is neutral and slightly polar, at codon 712 of the DSG1 protein (p.Arg712Cys). Information on the frequency of this variant in the gnomAD database is not available, as this variant may be reported differently in the database. This variant has not been reported in the literature in individuals affected with DSG1-related conditions. ClinVar contains an entry for this variant (Variation ID: 2191606). Experimental studies and prediction algorithms are not available or were not evaluated, and the functional significance of this variant is currently unknown. In summary, the available evidence is currently insufficient to determine the role of this variant in disease. Therefore, it has been classified as a Variant of Uncertain Significance.